The following is an entry in ClinVar:

NM_078629.4(MSL3):c.1357G>C (p.Ala453Pro)

Gene: MSL3 (MSL complex subunit 3; plus strand). Cytogenetic location: Xp22.2.
Variant type: single nucleotide variant.
Coding change: c.1357G>C on transcript NM_078629.4 (MANE Select); coding-DNA position 1357, G replaced by C.
Protein change: p.Ala453Pro; replaces alanine 453 with proline.
Molecular consequence: missense variant.
Genome position (GRCh38, 1-based): chrX:11,772,231, G>C. VCF-style: chrX-11772231-G-C. GRCh37 (hg19) VCF-style: chrX-11790350-G-C.
Other names: c.1321G>C, p.Ala441Pro (NM_001193270.2); c.910G>C, p.Ala304Pro (NM_001282174.1); c.859G>C, p.Ala287Pro (NM_006800.4); short protein forms A287P, A304P, A441P, A453P.
Identifiers: ClinVar variation 2501817 (VCV002501817.1), dbSNP rs140880282, ClinGen allele CA412066948.
Genomic context (GRCh38, chrX:11,772,231, plus strand): 5'-CTTGTGCCTGACAATTACCCCCCAGGTGACCAGCCGCCTCCACCCTCTTACATTTATGGG[G>C]CACAACATTTGCTGCGATTGTTTGGTAAGAATCCTGGTTCCTGCCTTCTTTCCATTTTTC-3'
Protein context (NP_523353.2, residues 443-463): QPPPPSYIYG[Ala453Pro]QHLLRLFVKL

ClinVar aggregate classification (germline): Uncertain significance (1 of 4 stars; one submission).

Submission:

GeneDx
Classification: Uncertain significance. Last evaluated: 2022-11-11. Review status: criteria provided, single submitter. Criteria: GeneDx Variant Classification Process June 2021. Collection method: clinical testing. Allele origin: germline. Affected: yes.
Comment: Not observed at significant frequency in large population cohorts (gnomAD); In silico analysis supports that this missense variant has a deleterious effect on protein structure/function; Has not been previously published as pathogenic or benign to our knowledge